The following is an entry in ClinVar:

NM_001754.5(RUNX1):c.613+18G>C

Genes: RUNX1 (RUNX family transcription factor 1; minus strand), RUNX1-AS1 (RUNX1 antisense RNA 1; plus strand). Cytogenetic location: 21q22.12.
Variant type: single nucleotide variant.
Coding change: c.613+18G>C on transcript NM_001754.5 (MANE Select); 18 bases into the intron after coding-DNA position 613, G replaced by C.
Molecular consequence: intron variant.
Genome position (GRCh38, 1-based): chr21:34,859,456, C>G on the plus strand (G>C on the coding strand, the complement: RUNX1 is on the minus strand). VCF-style: chr21-34859456-C-G. GRCh37 (hg19) VCF-style: chr21-36231753-C-G.
Other names: c.532+18G>C (NM_001001890.3, NM_001122607.2).
Identifiers: ClinVar variation 1600673 (VCV001600673.10), dbSNP rs374732985, ClinGen allele CA10014473.
Genomic context (GRCh38, chr21:34,859,456, plus strand): 5'-AGACATGGTCCCTGAGTATACCAGCCTGGAGGGTGTACCAGCCTGGAGGGTGTACCAGCC[C>G]CAAGTGGATGCACTTACTTCGAGGTTCTCGGGGCCCATCCACTGTGATTTTGATGGCTCT-3'

ClinVar aggregate classification (germline): Likely benign. Review status: reviewed by expert panel (3 of 4 stars). 3 submissions from 3 submitters: Likely benign (1). 2 of the submissions do not count toward it. Last evaluated 2023-11-13.

Conditions:
Hereditary thrombocytopenia and hematologic cancer predisposition syndrome. Identifiers: Orphanet 71290, MedGen CN281654, MONDO:0011071.
Hereditary thrombocytopenia and hematological cancer predisposition syndrome associated with RUNX1. Also called: Familial Platelet Disorder with Propensity to Acute Myelogenous Leukemia; RUNX1 Familial Platelet Disorder with Associated Myeloid Malignancies; PLATELET DISORDER, ASPIRIN-LIKE; Familial thrombocytopenia with propensity to acute myelogenous leukemia. Identifiers: Orphanet 71290, MedGen C1832388, MeSH C563324, MONDO:0100083, OMIM 601399.

Allele frequency attached by ClinVar (database versions not stated): gnomAD exomes 0.00004 and 0.00008; ExAC 0.00005; TOPMed 0.00006; ESP Exome Variant Server 0.00008; gnomAD 0.00009.
gnomAD v4.1: 72 of 1,557,368 alleles (0.0046%); highest among the groups gnomAD compares: Non-Finnish European, 0.00089%; no homozygotes.

Submissions (3):

ClinGen Myeloid Malignancy Variant Curation Expert Panel
Classification: Likely benign for Hereditary thrombocytopenia and hematologic cancer predisposition syndrome. Last evaluated: 2023-11-13. Review status: reviewed by expert panel. Criteria: ClinGen MyeloMalig ACMG Specifications v2. Collection method: curation. Allele origin: germline. Inheritance: Autosomal dominant inheritance.
Comment: NM_001754.5(RUNX1):c.613+18G>C is an intronic variant. Evolutionary conservation prediction algorithms predict the site as not being conserved (PhyloP score 0.48 < 2.0 or the variant is the reference nucleotide in one primate and/or three mammal species) (BP7). Not a missense variant therefore REVEL score is not applicable and SpliceAI is <=0.50 (0.00) (BP4). In summary, this variant meets the criteria to be classified as likely benign. ACMG/AMP criteria applied, as specified by the Myeloid Malignancy Variant Curation Expert Panel for RUNX1: BP4 and BP7

Labcorp Genetics (formerly Invitae), Labcorp
Classification: Benign for Hereditary thrombocytopenia and hematological cancer predisposition syndrome associated with RUNX1. Last evaluated: 2025-09-03. Review status: criteria provided, single submitter. Criteria: Invitae Variant Classification Sherloc (09022015). Collection method: clinical testing. Allele origin: germline. Not counted in ClinVar's aggregate classification.

Blueprint Genetics
Classification: Likely benign. Last evaluated: 2024-09-24. Review status: criteria provided, single submitter. Criteria: ACMG Guidelines, 2015. Collection method: clinical testing. Allele origin: germline. Not counted in ClinVar's aggregate classification.